The following is an entry in ClinVar:

NM_004646.4(NPHS1):c.2083dup (p.Arg695fs)

Gene: NPHS1 (NPHS1 adhesion molecule, nephrin; minus strand). Cytogenetic location: 19q13.12.
Variant type: Duplication.
Coding change: c.2083dup on transcript NM_004646.4 (MANE Select); coding-DNA position 2083, one base duplicated (C; older notation c.2083dupC).
Protein change: p.Arg695fs; shifts the reading frame from arginine 695.
Molecular consequence: frameshift variant.
Genome position (GRCh38, 1-based): chr19:35,844,232, G duplicated on the plus strand (C on the coding strand, the reverse complement: NPHS1 is on the minus strand); the first of 5 consecutive G bases (chr19:35,844,232-35,844,236); duplicating any one gives the same sequence. VCF-style (leftmost placement, unchanged base first): chr19-35844231-C-CG. GRCh37 (hg19) VCF-style: chr19-36335133-C-CG.
Other names: short protein forms R695fs.
Identifiers: ClinVar variation 2677296 (VCV002677296.2), dbSNP rs758924701, ClinGen allele CA2695198189.
Genomic context (GRCh38, chr19:35,844,231, plus strand): 5'-CCGTCGTCCGCGCGGGTCACATTCCACAGATGCAGAGCCCCGCTGGACAGGATGCGATGC[C>CG]GGGGGCCGCCCGCTGGGGAAGGCCAGAATAAGGGACCTGGCAGGACCTCCCATCCCCGGG-3'

ClinVar aggregate classification (germline): Pathogenic/Likely pathogenic. Review status: criteria provided, multiple submitters, no conflicts (2 of 4 stars). 2 submissions from 2 submitters: Pathogenic (1); Likely pathogenic (1). Last evaluated 2025-12-19.

Conditions:
Finnish congenital nephrotic syndrome (NPHS1). Also called: NEPHROTIC SYNDROME, TYPE 1. Identifiers: Orphanet 839, MedGen C0403399, MONDO:0009732, OMIM 256300.

Submissions (2):

Myriad Genetics, Inc.
Classification: Pathogenic for Finnish congenital nephrotic syndrome. Last evaluated: 2025-12-19. Review status: criteria provided, single submitter. Criteria: Myriad Autosomal Dominant, Autosomal Recessive and X-Linked Classification Criteria (2023). Collection method: clinical testing. Allele origin: unknown.
Comment: NM_004646.3(NPHS1):c.2083dupC(R695Pfs*31) is expected to be pathogenic in the context of nephrotic syndrome, NPHS1-related. This variant is predicted to lead to an abnormal or absent protein product due to the creation of a premature termination codon in NPHS1, a gene where loss-of-function variants are known to be pathogenic. Please note: this variant was assessed in the context of healthy population screening.

Baylor Genetics
Classification: Likely pathogenic for Finnish congenital nephrotic syndrome. Last evaluated: 2023-08-31. Review status: criteria provided, single submitter. Criteria: ACMG Guidelines, 2015. Collection method: clinical testing. Allele origin: unknown.